The following is an entry in ClinVar:

NM_003628.6(PKP4):c.1184G>C (p.Ser395Thr)

Gene: PKP4 (plakophilin 4; plus strand). Cytogenetic location: 2q24.1.
Variant type: single nucleotide variant.
Coding change: c.1184G>C on transcript NM_003628.6 (MANE Select); coding-DNA position 1184, G replaced by C.
Protein change: p.Ser395Thr; replaces serine 395 with threonine.
Molecular consequence: missense variant.
Genome position (GRCh38, 1-based): chr2:158,631,783, G>C. VCF-style: chr2-158631783-G-C. GRCh37 (hg19) VCF-style: chr2-159488295-G-C.
Other names: c.1184G>C, p.Ser395Thr (NM_001005476.4, NM_001304969.3, NM_001304971.2 and 6 more transcripts); c.158G>C, p.Ser53Thr (NM_001304970.3); c.1178G>C, p.Ser393Thr (NM_001377222.1, NM_001377223.1, NM_001377224.1); short protein forms S395T, S393T, S53T.
Identifiers: ClinVar variation 1743030 (VCV001743030.3), dbSNP rs756428523, ClinGen allele CA1920629.

ClinVar aggregate classification (germline): Uncertain significance (1 of 4 stars; one submission).

Allele frequency attached by ClinVar (database versions not stated): gnomAD exomes below 0.00001; TOPMed below 0.00001; ExAC 0.00002.
gnomAD v4.1: 8 of 1,614,088 alleles (0.0005%); highest among the groups gnomAD compares: Non-Finnish European, 0.00059%; no homozygotes.

Submission:

Ambry Genetics
Classification: Uncertain significance. Last evaluated: 2024-11-05. Review status: criteria provided, single submitter. Criteria: Ambry Variant Classification Scheme 2023. Collection method: clinical testing. Allele origin: germline.
Comment: The p.S395T variant (also known as c.1184G>C), located in coding exon 7 of the PKP4 gene, results from a G to C substitution at nucleotide position 1184. The serine at codon 395 is replaced by threonine, an amino acid with similar properties. This amino acid position is conserved. In addition, the in silico prediction for this alteration is inconclusive. Since supporting evidence is limited at this time, the clinical significance of this alteration remains unclear.